The following is an entry in ClinVar:

NM_000238.4(KCNH2):c.2582A>C (p.Asn861Thr)

Gene: KCNH2 (potassium voltage-gated channel subfamily H member 2; minus strand). Cytogenetic location: 7q36.1.
Variant type: single nucleotide variant.
Coding change: c.2582A>C on transcript NM_000238.4 (MANE Select); coding-DNA position 2582, A replaced by C.
Protein change: p.Asn861Thr; replaces asparagine 861 with threonine.
Molecular consequence: missense variant.
Genome position (GRCh38, 1-based): chr7:150,948,866, T>G on the plus strand (A>C on the coding strand, the complement: KCNH2 is on the minus strand). VCF-style: chr7-150948866-T-G. GRCh37 (hg19) VCF-style: chr7-150645954-T-G.
Other names: c.1562A>C, p.Asn521Thr (NM_172057.3); c.2582A>C (LRG_288t1); short protein forms N521T, N861T.
Identifiers: ClinVar variation 67416 (VCV000067416.1), dbSNP rs121912513, ClinGen allele CA006990.

ClinVar aggregate classification (germline): not provided (0 of 4 stars; one submission).

Conditions:
Familial long QT syndrome (RWS). Also called: Congenital long QT syndrome; Romano-Ward syndrome; VENTRICULAR FIBRILLATION WITH PROLONGED QT INTERVAL. Identifiers: Orphanet 768, MedGen C1141890, MONDO:0019171.

Submission:

Cardiovascular Biomedical Research Unit, Royal Brompton & Harefield NHS Foundation Trust
No classification provided. Condition: Familial long QT syndrome. Review status: no classification provided. Collection method: literature only. Allele origin: germline.
Comment: This variant has been reported as associated with Long QT syndrome in the following publications (PMID:15051636). This is a literature report, and does not necessarily reflect the clinical interpretation of the Imperial College / Royal Brompton Cardiovascular Genetics laboratory.

Literature cited by the submitters: PubMed 15051636; PubMed 22581653.